The following is an entry in ClinVar:

NM_145207.3(AFG2A):c.430del (p.Met144fs)

Gene: AFG2A (AAA ATPase AFG2A; plus strand). Cytogenetic location: 4q28.1.
Variant type: Deletion.
Coding change: c.430del on transcript NM_145207.3 (MANE Select); coding-DNA position 430, one base deleted (A; older notation c.430delA).
Protein change: p.Met144fs; shifts the reading frame from methionine 144.
Molecular consequence: frameshift variant.
Genome position (GRCh38, 1-based): chr4:122,929,181, A deleted; the last of 3 consecutive A bases (chr4:122,929,179-122,929,181); deleting any one gives the same sequence. VCF-style (leftmost placement, unchanged base first): chr4-122929178-GA-G. GRCh37 (hg19) VCF-style: chr4-123850333-GA-G.
Other names: c.427del, p.Met143fs (NM_001317799.2, NM_001345856.2); short protein forms M143fs, M144fs.
Identifiers: ClinVar variation 3751480 (VCV003751480.2).

ClinVar aggregate classification (germline): Pathogenic (1 of 4 stars; one submission).

Conditions:
Microcephaly-intellectual disability-sensorineural hearing loss-epilepsy-abnormal muscle tone syndrome (NEDHSB). Also called: NEURODEVELOPMENTAL DISORDER WITH HEARING LOSS, SEIZURES, AND BRAIN ABNORMALITIES. Identifiers: Orphanet 457351, MedGen C4225276, MONDO:0014698, OMIM 616577.

Submission:

Labcorp Genetics (formerly Invitae), Labcorp
Classification: Pathogenic for Microcephaly-intellectual disability-sensorineural hearing loss-epilepsy-abnormal muscle tone syndrome. Last evaluated: 2023-02-18. Review status: criteria provided, single submitter. Criteria: Invitae Variant Classification Sherloc (09022015). Collection method: clinical testing. Allele origin: germline.
Comment: For these reasons, this variant has been classified as Pathogenic. This variant has not been reported in the literature in individuals affected with SPATA5-related conditions. This variant is not present in population databases (gnomAD no frequency). This sequence change creates a premature translational stop signal (p.Met144Trpfs*5) in the SPATA5 gene. It is expected to result in an absent or disrupted protein product. Loss-of-function variants in SPATA5 are known to be pathogenic (PMID: 26299366).

Literature cited by the submitters: PubMed 26299366.